The following is an entry in ClinVar:

NM_001008212.2(OPTN):c.847G>C (p.Glu283Gln)

Gene: OPTN (optineurin; plus strand). Cytogenetic location: 10p13.
Variant type: single nucleotide variant.
Coding change: c.847G>C on transcript NM_001008212.2 (MANE Select); coding-DNA position 847, G replaced by C.
Protein change: p.Glu283Gln; replaces glutamic acid 283 with glutamine.
Molecular consequence: missense variant.
Genome position (GRCh38, 1-based): chr10:13,122,452, G>C. VCF-style: chr10-13122452-G-C. GRCh37 (hg19) VCF-style: chr10-13164452-G-C.
Other names: c.847G>C, p.Glu283Gln (NM_001008211.1, NM_001008213.1, NM_021980.4); short protein forms E283Q.
Identifiers: ClinVar variation 1483712 (VCV001483712.8), dbSNP rs1833371043, ClinGen allele CA376028827.
Genomic context (GRCh38, chr10:13,122,452, plus strand): 5'-GATTTTGAAAAGAAAACAAGTAATCGTTCTGAGATTGAAACCCAGACAGAGGGGAGCACA[G>C]AGAAAGAGAATGATGAAGAGAAAGGCCCGGAGACTGTGAGTCCTAAGATTCCACGGCCAC-3'
Protein context (NP_001008213.1, residues 273-293): EIETQTEGST[Glu283Gln]KENDEEKGPE

ClinVar aggregate classification (germline): Uncertain significance (1 of 4 stars; one submission).

Conditions:
Primary open angle glaucoma (POAG). Also called: OPTN-related open angle glaucoma. Identifiers: MedGen C0339573, MONDO:0100553, OMIM 137760.
Glaucoma 1, open angle, E. Identifiers: MedGen C1842026, MONDO:0007665.
Amyotrophic lateral sclerosis type 12 (ALS12). Also called: AMYOTROPHIC LATERAL SCLEROSIS 12 WITH OR WITHOUT FRONTOTEMPORAL DEMENTIA. Identifiers: Orphanet 803, MedGen C3150692, MONDO:0013264, OMIM 613435.

Allele frequency attached by ClinVar (database versions not stated): TOPMed below 0.00001.

Submission:

Labcorp Genetics (formerly Invitae), Labcorp
Classification: Uncertain significance for Primary open angle glaucoma; Glaucoma 1, open angle, E; Amyotrophic lateral sclerosis type 12. Last evaluated: 2021-05-06. Review status: criteria provided, single submitter. Criteria: Invitae Variant Classification Sherloc (09022015). Collection method: clinical testing. Allele origin: germline.
Comment: This variant has not been reported in the literature in individuals with OPTN-related conditions. In summary, the available evidence is currently insufficient to determine the role of this variant in disease. Therefore, it has been classified as a Variant of Uncertain Significance. Algorithms developed to predict the effect of missense changes on protein structure and function output the following: SIFT: "Tolerated"; PolyPhen-2: "Benign"; Align-GVGD: "Class C0". The glutamine amino acid residue is found in multiple mammalian species, suggesting that this missense change does not adversely affect protein function. These predictions have not been confirmed by published functional studies and their clinical significance is uncertain. This variant is not present in population databases (ExAC no frequency). This sequence change replaces glutamic acid with glutamine at codon 283 of the OPTN protein (p.Glu283Gln). The glutamic acid residue is weakly conserved and there is a small physicochemical difference between glutamic acid and glutamine.